The following is an entry in ClinVar:

NM_007214.5(SEC63):c.1627C>T (p.Gln543Ter)

Gene: SEC63 (SEC63 protein translocation regulator; minus strand). Cytogenetic location: 6q21.
Variant type: single nucleotide variant.
Coding change: c.1627C>T on transcript NM_007214.5 (MANE Select); coding-DNA position 1627, C replaced by T.
Protein change: p.Gln543Ter; replaces glutamine 543 with a stop codon.
Molecular consequence: nonsense.
Genome position (GRCh38, 1-based): chr6:107,893,529, G>A on the plus strand (C>T on the coding strand, the complement: SEC63 is on the minus strand). VCF-style: chr6-107893529-G-A. GRCh37 (hg19) VCF-style: chr6-108214733-G-A.
Other names: short protein forms Q543*.
Identifiers: ClinVar variation 5019342 (VCV005019342.2).
Genomic context (GRCh38, chr6:107,893,529, plus strand): 5'-ATAATAAACTTACATTCCCAACGACTCCATTTGCCTGCTTTTGTTTCTGTTGCTTTGACT[G>A]TGGTAATAGCACAGGTGTAGGTTTTTTTTTTAAAGGTTTCTTTTTTTTTGATTTAGCAGT-3'

ClinVar aggregate classification (germline): Likely pathogenic (1 of 4 stars; one submission).

Conditions:
Polycystic liver disease 2 (PCLD2). Also called: Polycystic liver disease 2 with or without kidney cysts. Identifiers: Orphanet 2924, MedGen C4310769, MONDO:0014860, OMIM 617004.

Submission:

Juno Genomics, Hangzhou Juno Genomics, Inc
Classification: Likely pathogenic for Polycystic liver disease 2. Review status: criteria provided, single submitter. Criteria: ACMG Guidelines, 2015. Collection method: clinical testing. Allele origin: germline.
Comment: Absent from controls (or at extremely low frequency if recessive) in Genome Aggregation Database.;Null variant in a gene where loss of function (LOF) is a known mechanism of disease.